The following is an entry in ClinVar:

NM_000094.4(COL7A1):c.7219G>A (p.Gly2407Ser)

Gene: COL7A1 (collagen type VII alpha 1 chain; minus strand). Cytogenetic location: 3p21.31.
Variant type: single nucleotide variant.
Coding change: c.7219G>A on transcript NM_000094.4 (MANE Select); coding-DNA position 7219, G replaced by A.
Protein change: p.Gly2407Ser; replaces glycine 2407 with serine.
Molecular consequence: missense variant.
Genome position (GRCh38, 1-based): chr3:48,570,914, C>T on the plus strand (G>A on the coding strand, the complement: COL7A1 is on the minus strand). VCF-style: chr3-48570914-C-T. GRCh37 (hg19) VCF-style: chr3-48608347-C-T.
Other names: short protein forms G2407S.
Identifiers: ClinVar variation 379479 (VCV000379479.2), dbSNP rs774332349, ClinGen allele CA2378595.
Genomic context (GRCh38, chr3:48,570,914, plus strand): 5'-CCCTCACCCGCTCTCCACTAGGGCCTGGCTGACCCATCTCTCCTCGAGGGCCTGTCTGAC[C>T]CGGGAACCCAACAACACCAGGAGCACCGGGCAGGCCAGGGAGGCCCAGATCTCCCTGAAA-3'
Protein context (NP_000085.1, residues 2397-2417): PGAPGVVGFP[Gly2407Ser]QTGPRGEMGQ

ClinVar aggregate classification (germline): Pathogenic (1 of 4 stars; one submission).

Allele frequency attached by ClinVar (database versions not stated): gnomAD exomes below 0.00001; TOPMed 0.00001; gnomAD 0.00001; ExAC 0.00001.
gnomAD v4.1: 2 of 1,613,620 alleles (0.00012%); highest among the groups gnomAD compares: African/African-American, 0.0027%; no homozygotes.

Submission:

GeneDx
Classification: Pathogenic. Last evaluated: 2015-04-29. Review status: criteria provided, single submitter. Criteria: GeneDx Variant Classification (06012015). Collection method: clinical testing. Allele origin: germline. Affected: yes.
Comment: The p.Gly2407Ser variant in the COL7A1 gene has not been reported previously as a pathogenic variant nor as a benign polymorphism, to our knowledge. The p.Gly2407Ser variant was not observedin approximately 6500 individuals of European and African American ancestry in the NHLBI ExomeSequencing Project, indicating it is not a common benign variant in these populations. The p.Gly2407Servariant is a non-conservative amino acid substitution, which is likely to impact secondary protein structureas these residues differ in polarity, charge, size and/or other properties. This substitution occurs at aposition that is conserved across species. In silico analysis predicts this mutation is probably damaging tothe protein structure/function as it occurs at the first Glycine position of the canonical Gly-X-Y repeat inthe collagenous domain of the COLVII protein. Missense variants in nearby residues (G2395D, G2410A)have been reported in the Human Gene Mutation Database in association with DEB (Stenson et al.,2014), supporting the functional importance of this region of the protein. We interpret p.Gly2407Ser as a pathogenic variant.